The following is an entry in ClinVar:

NM_004646.4(NPHS1):c.1409_1429delinsTTGG (p.Gly470fs)

Gene: NPHS1 (NPHS1 adhesion molecule, nephrin; minus strand). Cytogenetic location: 19q13.12.
Variant type: Indel.
Coding change: c.1409_1429delinsTTGG on transcript NM_004646.4 (MANE Select); coding-DNA positions 1409 to 1429, GCAACCCAGAGCCCTCCCTCA replaced by TTGG.
Protein change: p.Gly470fs; shifts the reading frame from glycine 470.
Molecular consequence: frameshift variant.
Genome position (GRCh38, 1-based): chr19:35,848,052-35,848,072, TGAGGGAGGGCTCTGGGTTGC replaced by CCAA on the plus strand (GCAACCCAGAGCCCTCCCTCA replaced by TTGG on the coding strand, the reverse complement: NPHS1 is on the minus strand). VCF-style: chr19-35848052-TGAGGGAGGGCTCTGGGTTGC-CCAA. GRCh37 (hg19) VCF-style: chr19-36338954-TGAGGGAGGGCTCTGGGTTGC-CCAA.
Other names: short protein forms G470fs.
Identifiers: ClinVar variation 5004195 (VCV005004195.1).

ClinVar aggregate classification (germline): Pathogenic (1 of 4 stars; one submission).

Conditions:
Finnish congenital nephrotic syndrome (NPHS1). Also called: NEPHROTIC SYNDROME, TYPE 1. Identifiers: Orphanet 839, MedGen C0403399, MONDO:0009732, OMIM 256300.

Submission:

Myriad Genetics, Inc.
Classification: Pathogenic for Finnish congenital nephrotic syndrome. Last evaluated: 2025-09-30. Review status: criteria provided, single submitter. Criteria: Myriad Autosomal Dominant, Autosomal Recessive and X-Linked Classification Criteria (2023). Collection method: clinical testing. Allele origin: unknown.
Comment: NM_004646.3(NPHS1):c.1409_1429del21ins4(G470Vfs*72) is a frameshift variant classified as pathogenic in the context of nephrotic syndrome, NPHS1-related. G470Vfs*72 has not been observed in cases with relevant disease. Relevant functional assessments of this variant are not available in the literature. G470Vfs*72 has not been observed in referenced population frequency databases. In summary, NM_004646.3(NPHS1):c.1409_1429del21ins4(G470Vfs*72) is a frameshift variant in a gene where loss of function is a known mechanism of disease and is predicted to disrupt protein function. Please note: this variant was assessed in the context of healthy population screening.